The following is an entry in ClinVar:

NM_020631.6(PLEKHG5):c.882C>T (p.Phe294=)

Gene: PLEKHG5 (pleckstrin homology and RhoGEF domain containing G5; minus strand). Cytogenetic location: 1p36.31.
Variant type: single nucleotide variant.
Coding change: c.882C>T on transcript NM_020631.6 (MANE Select); coding-DNA position 882, C replaced by T.
Protein change: p.Phe294=; no amino-acid change (phenylalanine 294 retained).
Molecular consequence: synonymous variant.
Genome position (GRCh38, 1-based): chr1:6,473,088, G>A on the plus strand (C>T on the coding strand, the complement: PLEKHG5 is on the minus strand). VCF-style: chr1-6473088-G-A. GRCh37 (hg19) VCF-style: chr1-6533148-G-A.
Other names: c.993C>T, p.Phe331= (NM_001042663.3, NM_001265592.2); c.882C>T, p.Phe294= (NM_001042664.2, NM_001042665.2, NM_001265594.3 and 1 more transcripts); c.1089C>T, p.Phe363= (NM_001265593.2).
Identifiers: ClinVar variation 297963 (VCV000297963.23), dbSNP rs370572859, ClinGen allele CA561719.
Genomic context (GRCh38, chr1:6,473,088, plus strand): 5'-CAGGCAGGCATTGTCCTCATCCTCGTCTTCATCGTACTCCTCCTCCCAGGAGTCATGGTC[G>A]AAGCGCAGCCCCCGGGGCAGCCTGGGCAGCCCGAAGAGGCTGTAGGTGTGCAGCTTGCCC-3'
Protein context (NP_065682.2, residues 284-304): GLPRLPRGLR[Phe294=]DHDSWEEEYD

ClinVar aggregate classification (germline): Conflicting classifications of pathogenicity. Review status: criteria provided, conflicting classifications (1 of 4 stars). 4 submissions from 4 submitters: Uncertain significance (1); Likely benign (3). Last evaluated 2026-04-28.

Conditions:
Inborn genetic diseases. Identifiers: MedGen C0950123, MeSH D030342.
PLEKHG5-related disorder. Also called: PLEKHG5-related condition.
Charcot-Marie-Tooth disease recessive intermediate C. Also called: CHARCOT-MARIE-TOOTH NEUROPATHY, RECESSIVE INTERMEDIATE C. Identifiers: Orphanet 369867, MedGen C3809309, MONDO:0014154, OMIM 615376.
Neuronopathy, distal hereditary motor, autosomal recessive 4. Also called: NEUROPATHY, DISTAL HEREDITARY MOTOR, AUTOSOMAL RECESSIVE 4; Autosomal recessive lower motor neuron disease with childhood onset. Identifiers: Orphanet 206580, MedGen C1970211, MONDO:0012608, OMIM 611067.

Allele frequency attached by ClinVar (database versions not stated): gnomAD 0.00006 and 0.00008; gnomAD exomes 0.00007; ExAC 0.00008; ESP Exome Variant Server 0.00008; TOPMed 0.00008; 1000 Genomes Project 30x 0.00031; 1000 Genomes Project 0.00040.
gnomAD v4.1: 227 of 1,613,958 alleles (0.014%); highest among the groups gnomAD compares: Non-Finnish European, 0.017%; no homozygotes.

Submissions (4):

PreventionGenetics, part of Exact Sciences
Classification: Likely benign for PLEKHG5-related condition. Last evaluated: 2026-04-28. Review status: criteria provided, single submitter. Criteria: ACMG Guidelines, 2015. Collection method: clinical testing. Allele origin: germline.
Comment: This variant is classified as likely benign based on ACMG/AMP sequence variant interpretation guidelines (Richards et al. 2015 PMID: 25741868, with internal and published modifications).

Labcorp Genetics (formerly Invitae), Labcorp
Classification: Likely benign for Neuronopathy, distal hereditary motor, autosomal recessive 4; Charcot-Marie-Tooth disease recessive intermediate C. Last evaluated: 2026-01-20. Review status: criteria provided, single submitter. Criteria: Invitae Variant Classification Sherloc (09022015). Collection method: clinical testing. Allele origin: germline.

Ambry Genetics
Classification: Likely benign for Inborn genetic diseases. Last evaluated: 2019-07-11. Review status: criteria provided, single submitter. Criteria: Ambry Variant Classification Scheme 2023. Collection method: clinical testing. Allele origin: germline.

Illumina Laboratory Services, Illumina
Classification: Uncertain significance for Neuronopathy, distal hereditary motor, autosomal recessive 4. Last evaluated: 2018-01-12. Review status: criteria provided, single submitter. Criteria: ICSL Variant Classification Criteria 13 December 2019. Collection method: clinical testing. Allele origin: germline.